The following is an entry in ClinVar:

ClinVar aggregate classification (germline): Uncertain significance (1 of 4 stars; one submission).

Submission:

Labcorp Genetics (formerly Invitae), Labcorp
Classification: Uncertain significance. Last evaluated: 2024-03-21. Review status: criteria provided, single submitter. Criteria: Invitae Variant Classification Sherloc (09022015). Collection method: clinical testing. Allele origin: germline.
Comment: This sequence change replaces threonine, which is neutral and polar, with isoleucine, which is neutral and non-polar, at codon 104 of the SCARB1 protein (p.Thr104Ile). This variant is present in population databases (rs762106926, gnomAD 0.0009%). This variant has not been reported in the literature in individuals affected with SCARB1-related conditions. Advanced modeling of protein sequence and biophysical properties (such as structural, functional, and spatial information, amino acid conservation, physicochemical variation, residue mobility, and thermodynamic stability) has been performed at Invitae for this missense variant, however the output from this modeling did not meet the statistical confidence thresholds required to predict the impact of this variant on SCARB1 protein function. In summary, the available evidence is currently insufficient to determine the role of this variant in disease. Therefore, it has been classified as a Variant of Uncertain Significance.

NM_005505.5(SCARB1):c.311C>T (p.Thr104Ile)

Gene: SCARB1 (scavenger receptor class B member 1; minus strand). Cytogenetic location: 12q24.31.
Variant type: single nucleotide variant.
Coding change: c.311C>T on transcript NM_005505.5 (MANE Select); coding-DNA position 311, C replaced by T.
Protein change: p.Thr104Ile; replaces threonine 104 with isoleucine.
Molecular consequence: missense variant. On other transcripts: non-coding transcript variant (9).
Genome position (GRCh38, 1-based): chr12:124,815,088, G>A on the plus strand (C>T on the coding strand, the complement: SCARB1 is on the minus strand). VCF-style: chr12-124815088-G-A. GRCh37 (hg19) VCF-style: chr12-125299634-G-A.
Other names: c.311C>T, p.Thr104Ile (NM_001082959.2, NM_001367981.1, NM_001367983.1 and 6 more transcripts); c.188C>T, p.Thr63Ile (NM_001367982.1); short protein forms T63I, T104I.
Identifiers: ClinVar variation 3702468 (VCV003702468.2).